The following is an entry in ClinVar:

NM_000744.7(CHRNA4):c.1504G>T (p.Ala502Ser)

Gene: CHRNA4 (cholinergic receptor nicotinic alpha 4 subunit; minus strand). Cytogenetic location: 20q13.33.
Variant type: single nucleotide variant.
Coding change: c.1504G>T on transcript NM_000744.7 (MANE Select); coding-DNA position 1504, G replaced by T.
Protein change: p.Ala502Ser; replaces alanine 502 with serine.
Molecular consequence: missense variant. On other transcripts: non-coding transcript variant (1).
Genome position (GRCh38, 1-based): chr20:63,349,907, C>A on the plus strand (G>T on the coding strand, the complement: CHRNA4 is on the minus strand). VCF-style: chr20-63349907-C-A. GRCh37 (hg19) VCF-style: chr20-61981259-C-A.
Other names: c.976G>T, p.Ala326Ser (NM_001256573.2); c.1504G>T (NM_000744.6); short protein forms A502S, A326S.
Identifiers: ClinVar variation 2080497 (VCV002080497.6), dbSNP rs777502524, ClinGen allele CA9957583.

ClinVar aggregate classification (germline): Uncertain significance. Review status: criteria provided, multiple submitters, no conflicts (2 of 4 stars). 2 submissions from 2 submitters: Uncertain significance (2). Last evaluated 2023-11-07.

Conditions:
Familial sleep-related hypermotor epilepsy. Also called: Autosomal Dominant Sleep-Related Hypermotor (Hyperkinetic) Epilepsy. Identifiers: Orphanet 98784, MedGen C3696898, MONDO:0000030.
Autosomal dominant nocturnal frontal lobe epilepsy 1. Also called: EPILEPSY, NOCTURNAL FRONTAL LOBE, TYPE 1; CHRNA4-Related Nocturnal Frontal Lobe Epilepsy, Autosomal Dominant. Identifiers: Orphanet 98784, MedGen C1838049, MONDO:0010899, OMIM 600513.

Allele frequency attached by ClinVar (database versions not stated): ExAC 0.00001; gnomAD exomes below 0.00001.
gnomAD v4.1: 5 of 1,594,522 alleles (0.00031%); highest among the groups gnomAD compares: South Asian, 0.0045%; no homozygotes.

Submissions (2):

Revvity Omics, Revvity
Classification: Uncertain significance for Autosomal dominant nocturnal frontal lobe epilepsy 1. Last evaluated: 2023-11-07. Review status: criteria provided, single submitter. Criteria: ACMG Guidelines, 2015. Collection method: clinical testing. Allele origin: germline.

Labcorp Genetics (formerly Invitae), Labcorp
Classification: Uncertain significance. Last evaluated: 2021-12-24. Review status: criteria provided, single submitter. Criteria: Invitae Variant Classification Sherloc (09022015). Collection method: clinical testing. Allele origin: germline.
Comment: This sequence change replaces alanine, which is neutral and non-polar, with serine, which is neutral and polar, at codon 502 of the CHRNA4 protein (p.Ala502Ser). The frequency data for this variant in the population databases is considered unreliable, as metrics indicate poor data quality at this position in the gnomAD database. This variant has not been reported in the literature in individuals affected with CHRNA4-related conditions. Algorithms developed to predict the effect of missense changes on protein structure and function (SIFT, PolyPhen-2, Align-GVGD) all suggest that this variant is likely to be tolerated. In summary, the available evidence is currently insufficient to determine the role of this variant in disease. Therefore, it has been classified as a Variant of Uncertain Significance.